The following is an entry in ClinVar:

NM_152468.5(TMC8):c.137A>G (p.Lys46Arg)

Genes: TMC6 (transmembrane channel like 6; minus strand), TMC8 (transmembrane channel like 8; plus strand), LOC130061792 (ATAC-STARR-seq lymphoblastoid silent region 9043; plus strand). Cytogenetic location: 17q25.3.
Variant type: single nucleotide variant.
Coding change: c.137A>G on transcript NM_152468.5 (MANE Select); coding-DNA position 137, A replaced by G.
Protein change: p.Lys46Arg; replaces lysine 46 with arginine.
Molecular consequence: missense variant. On other transcripts: intron variant (1).
Genome position (GRCh38, 1-based): chr17:78,131,725, A>G. VCF-style: chr17-78131725-A-G. GRCh37 (hg19) VCF-style: chr17-76127806-A-G.
Other names: c.-75+616T>C (NM_007267.7); short protein forms K46R.
Identifiers: ClinVar variation 951950 (VCV000951950.10), dbSNP rs1296523340, ClinGen allele CA401239282.

ClinVar aggregate classification (germline): Uncertain significance (1 of 4 stars; one submission).

Conditions:
Epidermodysplasia verruciformis. Identifiers: Orphanet 302, MedGen C0014522, MONDO:0009176.

Allele frequency attached by ClinVar (database versions not stated): gnomAD exomes 0.00001; gnomAD 0.00002; TOPMed below 0.00001.
gnomAD v4.1: 7 of 1,584,630 alleles (0.00044%); highest among the groups gnomAD compares: Non-Finnish European, 0.0006%; no homozygotes.

Submission:

Labcorp Genetics (formerly Invitae), Labcorp
Classification: Uncertain significance for Epidermodysplasia verruciformis. Last evaluated: 2022-04-11. Review status: criteria provided, single submitter. Criteria: Invitae Variant Classification Sherloc (09022015). Collection method: clinical testing. Allele origin: germline.
Comment: ClinVar contains an entry for this variant (Variation ID: 951950). In summary, the available evidence is currently insufficient to determine the role of this variant in disease. Therefore, it has been classified as a Variant of Uncertain Significance. Algorithms developed to predict the effect of sequence changes on RNA splicing suggest that this variant may create or strengthen a splice site. Algorithms developed to predict the effect of missense changes on protein structure and function output the following: SIFT: "Tolerated"; PolyPhen-2: "Benign"; Align-GVGD: "Class C0". The arginine amino acid residue is found in multiple mammalian species, which suggests that this missense change does not adversely affect protein function. This variant has not been reported in the literature in individuals affected with TMC8-related conditions. The frequency data for this variant in the population databases is considered unreliable, as metrics indicate poor data quality at this position in the gnomAD database. This sequence change replaces lysine, which is basic and polar, with arginine, which is basic and polar, at codon 46 of the TMC8 protein (p.Lys46Arg).